The following is an entry in ClinVar:

NM_000384.3(APOB):c.10094A>G (p.His3365Arg)

Gene: APOB (apolipoprotein B; minus strand). Cytogenetic location: 2p24.1.
Variant type: single nucleotide variant.
Coding change: c.10094A>G on transcript NM_000384.3 (MANE Select); coding-DNA position 10094, A replaced by G.
Protein change: p.His3365Arg; replaces histidine 3365 with arginine.
Molecular consequence: missense variant.
Genome position (GRCh38, 1-based): chr2:21,006,774, T>C on the plus strand (A>G on the coding strand, the complement: APOB is on the minus strand). VCF-style: chr2-21006774-T-C. GRCh37 (hg19) VCF-style: chr2-21229646-T-C.
Other names: short protein forms H3365R.
Identifiers: ClinVar variation 3308071 (VCV003308071.2).

ClinVar aggregate classification (germline): Uncertain significance. Review status: criteria provided, multiple submitters, no conflicts (2 of 4 stars). 2 submissions from 2 submitters: Uncertain significance (2). Last evaluated 2025-06-10.

Conditions:
Cardiovascular phenotype. Identifiers: MedGen CN230736.

gnomAD v4.1: 2 of 1,613,986 alleles (0.00012%); highest among the groups gnomAD compares: Non-Finnish European, 0.00017%; no homozygotes.

Submissions (2):

GeneDx
Classification: Uncertain significance. Last evaluated: 2025-06-10. Review status: criteria provided, single submitter. Criteria: GeneDx Variant Classification Process June 2021. Collection method: clinical testing. Allele origin: germline. Affected: yes.
Comment: Not observed at significant frequency in large population cohorts (gnomAD); In silico analysis supports that this missense variant has a deleterious effect on protein structure/function; Has not been previously published as pathogenic or benign to our knowledge

Ambry Genetics
Classification: Uncertain significance for Cardiovascular phenotype. Last evaluated: 2024-06-09. Review status: criteria provided, single submitter. Criteria: Ambry Variant Classification Scheme 2023. Collection method: clinical testing. Allele origin: germline.
Comment: The p.H3365R variant (also known as c.10094A>G), located in coding exon 26 of the APOB gene, results from an A to G substitution at nucleotide position 10094. The histidine at codon 3365 is replaced by arginine, an amino acid with highly similar properties. This amino acid position is conserved. In addition, this alteration is predicted to be tolerated by in silico analysis. Based on the available evidence, the clinical significance of this variant remains unclear.